The following is an entry in ClinVar:

NM_001244008.2(KIF1A):c.4790C>T (p.Pro1597Leu)

Gene: KIF1A (kinesin family member 1A; minus strand). Cytogenetic location: 2q37.3.
Variant type: single nucleotide variant.
Coding change: c.4790C>T on transcript NM_001244008.2 (MANE Select); coding-DNA position 4790, C replaced by T.
Protein change: p.Pro1597Leu; replaces proline 1597 with leucine.
Molecular consequence: missense variant.
Genome position (GRCh38, 1-based): chr2:240,720,992, G>A on the plus strand (C>T on the coding strand, the complement: KIF1A is on the minus strand). VCF-style: chr2-240720992-G-A. GRCh37 (hg19) VCF-style: chr2-241660409-G-A.
Other names: c.4514C>T, p.Pro1505Leu (NM_001320705.2, NM_001379649.1); c.4541C>T, p.Pro1514Leu (NM_001330289.2); c.4589C>T, p.Pro1530Leu (NM_001330290.2, NM_001379648.1); c.4865C>T, p.Pro1622Leu (NM_001379631.1); c.4766C>T, p.Pro1589Leu (NM_001379632.1); c.4763C>T, p.Pro1588Leu (NM_001379633.1, NM_001379645.1); c.4616C>T, p.Pro1539Leu (NM_001379634.1); c.4613C>T, p.Pro1538Leu (NM_001379635.1, NM_001379646.1); and 7 more; short protein forms P1597L, P1496L, P1530L, P1505L, P1514L, P1495L, P1504L, P1513L.
Identifiers: ClinVar variation 566502 (VCV000566502.15), dbSNP rs374417779, ClinGen allele CA2207297.

ClinVar aggregate classification (germline): Conflicting classifications of pathogenicity. Review status: criteria provided, conflicting classifications (1 of 4 stars). 4 submissions from 4 submitters: Uncertain significance (3); Likely benign (1). Last evaluated 2025-11-17.

Conditions:
Neuropathy, hereditary sensory, type 2C. Also called: KIF1A-Related HSAN2 (HSAN2C); Hereditary sensory and autonomic neuropathy type IIC. Identifiers: Orphanet 970, MedGen C3280168, MONDO:0013634, OMIM 614213.
Intellectual disability, autosomal dominant 9 (NESCAVS). Also called: NESCAV SYNDROME; KIF1A-Related Neurodevelopmental Disorder. Identifiers: Orphanet 662367, MedGen C5393830, MONDO:0013656, OMIM 614255.
Hereditary spastic paraplegia 30. Identifiers: Orphanet 101010, MedGen C5235139, MONDO:0012476.

Allele frequency attached by ClinVar (database versions not stated): gnomAD 0.00001 and 0.00002; TOPMed 0.00001; gnomAD exomes 0.00006; ExAC 0.00008; 1000 Genomes Project 0.00040; 1000 Genomes Project 30x 0.00047.
gnomAD v4.1: 15 of 1,610,426 alleles (0.00093%); highest among the groups gnomAD compares: East Asian, 0.029%; no homozygotes.

Submissions (4):

Labcorp Genetics (formerly Invitae), Labcorp
Classification: Likely benign for Hereditary spastic paraplegia 30; Neuropathy, hereditary sensory, type 2C; Intellectual disability, autosomal dominant 9. Last evaluated: 2025-11-17. Review status: criteria provided, single submitter. Criteria: Invitae Variant Classification Sherloc (09022015). Collection method: clinical testing. Allele origin: germline.

GeneDx
Classification: Uncertain significance. Last evaluated: 2021-04-21. Review status: criteria provided, single submitter. Criteria: GeneDx Variant Classification Process June 2021. Collection method: clinical testing. Allele origin: germline. Affected: yes.
Comment: In silico analysis supports that this missense variant has a deleterious effect on protein structure/function; Has not been previously published as pathogenic or benign to our knowledge

Revvity Omics, Revvity
Classification: Uncertain significance. Last evaluated: 2020-07-31. Review status: criteria provided, single submitter. Criteria: ACMG Guidelines, 2015. Collection method: clinical testing. Allele origin: germline.

Illumina Laboratory Services, Illumina
Classification: Uncertain significance for Spastic paraplegia 30A, autosomal dominant. Last evaluated: 2018-01-12. Review status: criteria provided, single submitter. Criteria: ICSL Variant Classification Criteria 13 December 2019. Collection method: clinical testing. Allele origin: germline.